The following is an entry in ClinVar:

NM_003482.4(KMT2D):c.11381C>T (p.Pro3794Leu)

Gene: KMT2D (lysine methyltransferase 2D; minus strand). Cytogenetic location: 12q13.12.
Variant type: single nucleotide variant.
Coding change: c.11381C>T on transcript NM_003482.4 (MANE Select); coding-DNA position 11381, C replaced by T.
Protein change: p.Pro3794Leu; replaces proline 3794 with leucine.
Molecular consequence: missense variant.
Genome position (GRCh38, 1-based): chr12:49,033,324, G>A on the plus strand (C>T on the coding strand, the complement: KMT2D is on the minus strand). VCF-style: chr12-49033324-G-A. GRCh37 (hg19) VCF-style: chr12-49427107-G-A.
Other names: short protein forms P3794L.
Identifiers: ClinVar variation 1718343 (VCV001718343.5), dbSNP rs1489932502, ClinGen allele CA384719243.

ClinVar aggregate classification (germline): Uncertain significance (1 of 4 stars; one submission).

Conditions:
Kabuki syndrome. Also called: Kabuki make-up syndrome; NIIKAWA-KUROKI SYNDROME. Identifiers: Orphanet 2322, MedGen C0796004, MONDO:0016512.

Allele frequency attached by ClinVar (database versions not stated): gnomAD exomes below 0.00001.
gnomAD v4.1: 1 of 1,594,170 alleles (0.000063%); highest among the groups gnomAD compares: Non-Finnish European, 0.000085%; no homozygotes.

Submission:

Labcorp Genetics (formerly Invitae), Labcorp
Classification: Uncertain significance for Kabuki syndrome. Last evaluated: 2022-08-30. Review status: criteria provided, single submitter. Criteria: Invitae Variant Classification Sherloc (09022015). Collection method: clinical testing. Allele origin: germline.
Comment: In summary, the available evidence is currently insufficient to determine the role of this variant in disease. Therefore, it has been classified as a Variant of Uncertain Significance. Advanced modeling of protein sequence and biophysical properties (such as structural, functional, and spatial information, amino acid conservation, physicochemical variation, residue mobility, and thermodynamic stability) performed at Invitae indicates that this missense variant is not expected to disrupt KMT2D protein function. This variant has not been reported in the literature in individuals affected with KMT2D-related conditions. This variant is not present in population databases (gnomAD no frequency). This sequence change replaces proline, which is neutral and non-polar, with leucine, which is neutral and non-polar, at codon 3794 of the KMT2D protein (p.Pro3794Leu).